The following is an entry in ClinVar:

ClinVar aggregate classification (germline): Uncertain significance (1 of 4 stars; one submission).

Conditions:
Cohen syndrome (COH1). Also called: Cutis verticis gyrata, retinitis pigmentosa, and sensorineural deafness; PEPPER SYNDROME. Identifiers: Orphanet 193, MedGen C0265223, MONDO:0008999, OMIM 216550.

Allele frequency attached by ClinVar (database versions not stated): gnomAD exomes below 0.00001.
gnomAD v4.1: 2 of 1,614,210 alleles (0.00012%); highest among the groups gnomAD compares: South Asian, 0.0011%; no homozygotes.

Submission:

Labcorp Genetics (formerly Invitae), Labcorp
Classification: Uncertain significance for Cohen syndrome. Last evaluated: 2021-04-02. Review status: criteria provided, single submitter. Criteria: Invitae Variant Classification Sherloc (09022015). Collection method: clinical testing. Allele origin: germline.
Comment: This sequence change replaces alanine with threonine at codon 3917 of the VPS13B protein (p.Ala3917Thr). The alanine residue is weakly conserved and there is a small physicochemical difference between alanine and threonine. This variant is not present in population databases (ExAC no frequency). This variant has not been reported in the literature in individuals with VPS13B-related conditions. Algorithms developed to predict the effect of missense changes on protein structure and function output the following: SIFT: "Not Available"; PolyPhen-2: "Benign"; Align-GVGD: "Not Available". The threonine amino acid residue is found in multiple mammalian species, suggesting that this missense change does not adversely affect protein function. These predictions have not been confirmed by published functional studies and their clinical significance is uncertain. In summary, the available evidence is currently insufficient to determine the role of this variant in disease. Therefore, it has been classified as a Variant of Uncertain Significance.

NM_152564.5(VPS13B):c.11674G>A (p.Ala3892Thr)

Gene: VPS13B (vacuolar protein sorting 13 homolog B; plus strand). Cytogenetic location: 8q22.2.
Variant type: single nucleotide variant.
Coding change: c.11674G>A on transcript NM_152564.5 (MANE Select); coding-DNA position 11674, G replaced by A.
Protein change: p.Ala3892Thr; replaces alanine 3892 with threonine.
Molecular consequence: missense variant.
Genome position (GRCh38, 1-based): chr8:99,871,626, G>A. VCF-style: chr8-99871626-G-A. GRCh37 (hg19) VCF-style: chr8-100883854-G-A.
Other names: c.11749G>A, p.Ala3917Thr (NM_017890.5); short protein forms A3892T, A3917T.
Identifiers: ClinVar variation 1442195 (VCV001442195.5), dbSNP rs2130975882, ClinGen allele CA371794817.